The following is an entry in ClinVar:

ClinVar aggregate classification (germline): Pathogenic (1 of 4 stars; one submission).

Conditions:
Immunodeficiency, common variable, 7. Identifiers: Orphanet 1572, Orphanet 696894, MedGen C3542922, MONDO:0013862, OMIM 614699.

Submission:

Labcorp Genetics (formerly Invitae), Labcorp
Classification: Pathogenic for Immunodeficiency, common variable, 7. Last evaluated: 2023-04-14. Review status: criteria provided, single submitter. Criteria: Invitae Variant Classification Sherloc (09022015). Collection method: clinical testing. Allele origin: germline.
Comment: For these reasons, this variant has been classified as Pathogenic. This variant has not been reported in the literature in individuals affected with CR2-related conditions. This variant is not present in population databases (gnomAD no frequency). This sequence change creates a premature translational stop signal (p.Gln759*) in the CR2 gene. It is expected to result in an absent or disrupted protein product. Loss-of-function variants in CR2 are known to be pathogenic (PMID: 26325596, 28499783).

Literature cited by the submitters: PubMed 26325596; PubMed 28499783.

NM_001006658.3(CR2):c.2275C>T (p.Gln759Ter)

Gene: CR2 (complement C3d receptor 2; plus strand). Cytogenetic location: 1q32.2.
Variant type: single nucleotide variant.
Coding change: c.2275C>T on transcript NM_001006658.3 (MANE Select); coding-DNA position 2275, C replaced by T.
Protein change: p.Gln759Ter; replaces glutamine 759 with a stop codon.
Molecular consequence: nonsense.
Genome position (GRCh38, 1-based): chr1:207,474,275, C>T. VCF-style: chr1-207474275-C-T. GRCh37 (hg19) VCF-style: chr1-207647620-C-T.
Other names: c.2098C>T, p.Gln700Ter (NM_001877.5); short protein forms Q700*, Q759*.
Identifiers: ClinVar variation 3022333 (VCV003022333.3), dbSNP rs1658371275, ClinGen allele CA344536719.